The following is an entry in ClinVar:

ClinVar aggregate classification (germline): Pathogenic (1 of 4 stars; one submission).

Submission:

Labcorp Genetics (formerly Invitae), Labcorp
Classification: Pathogenic. Last evaluated: 2021-05-02. Review status: criteria provided, single submitter. Criteria: Invitae Variant Classification Sherloc (09022015). Collection method: clinical testing. Allele origin: germline.
Comment: For these reasons, this variant has been classified as Pathogenic. This variant has not been reported in the literature in individuals with FAM161A-related conditions. This variant is not present in population databases (ExAC no frequency). This sequence change creates a premature translational stop signal (p.His5Thrfs*15) in the FAM161A gene. It is expected to result in an absent or disrupted protein product. Loss-of-function variants in FAM161A are known to be pathogenic (PMID: 20705278, 20705279, 24651477).

Literature cited by the submitters: PubMed 20705278; PubMed 20705279; PubMed 24651477.

NM_001201543.2(FAM161A):c.13del (p.His5fs)

Gene: FAM161A (FAM161 centrosomal protein A; minus strand). Cytogenetic location: 2p15.
Variant type: Deletion.
Coding change: c.13del on transcript NM_001201543.2 (MANE Select); coding-DNA position 13, one base deleted (C; older notation c.13delC).
Protein change: p.His5fs; shifts the reading frame from histidine 5.
Molecular consequence: frameshift variant. On other transcripts: non-coding transcript variant (1).
Genome position (GRCh38, 1-based): chr2:61,854,029, G deleted on the plus strand (C on the coding strand, the reverse complement: FAM161A is on the minus strand); the first of 3 consecutive G bases (chr2:61,854,029-61,854,031); deleting any one gives the same sequence. VCF-style (leftmost placement, unchanged base first): chr2-61854028-TG-T. GRCh37 (hg19) VCF-style: chr2-62081163-TG-T.
Other names: c.13del, p.His5fs (NM_032180.3); short protein forms H5fs.
Identifiers: ClinVar variation 1445822 (VCV001445822.6), dbSNP rs2105111520, ClinGen allele CA2573135020.